The following is an entry in ClinVar:

NM_001267550.2(TTN):c.90135dup (p.Ser30046fs)

Genes: TTN (titin; minus strand), TTN-AS1 (TTN antisense RNA 1; plus strand). Cytogenetic location: 2q31.2.
Variant type: Duplication.
Coding change: c.90135dup on transcript NM_001267550.2 (MANE Select); coding-DNA position 90135, one base duplicated (A; older notation c.90135dupA).
Protein change: p.Ser30046fs; shifts the reading frame from serine 30046.
Molecular consequence: frameshift variant.
Genome position (GRCh38, 1-based): chr2:178,552,765, T duplicated on the plus strand (A on the coding strand, the reverse complement: TTN is on the minus strand). VCF-style (leftmost placement, unchanged base first): chr2-178552764-A-AT. GRCh37 (hg19) VCF-style: chr2-179417491-A-AT.
Other names: c.85212dup, p.Ser28405fs (NM_001256850.1); c.62940dup, p.Ser20981fs (NM_003319.4); c.82431dup, p.Ser27478fs (NM_133378.4); c.63315dup, p.Ser21106fs (NM_133432.3); c.63516dup, p.Ser21173fs (NM_133437.4); short protein forms S21106fs, S21173fs, S20981fs, S27478fs, S28405fs, S30046fs.
Identifiers: ClinVar variation 2034693 (VCV002034693.4), dbSNP rs2469302360, ClinGen allele CA2580064606.

ClinVar aggregate classification (germline): Likely pathogenic (1 of 4 stars; one submission).

Conditions:
Dilated cardiomyopathy 1G (CMD1G). Identifiers: Orphanet 154, MedGen C1858763, MONDO:0011400, OMIM 604145.
Autosomal recessive limb-girdle muscular dystrophy type 2J (LGMDR10). Also called: Limb-girdle muscular dystrophy, type 2J; MUSCULAR DYSTROPHY, LIMB-GIRDLE, AUTOSOMAL RECESSIVE 10. Identifiers: Orphanet 140922, MedGen C1837342, MONDO:0012127, OMIM 608807.

Submission:

Labcorp Genetics (formerly Invitae), Labcorp
Classification: Likely pathogenic for Dilated cardiomyopathy 1G; Autosomal recessive limb-girdle muscular dystrophy type 2J. Last evaluated: 2024-09-16. Review status: criteria provided, single submitter. Criteria: Invitae Variant Classification Sherloc (09022015). Collection method: clinical testing. Allele origin: germline.
Comment: This sequence change creates a premature translational stop signal (p.Ser30046Ilefs*10) in the TTN gene. While this is not anticipated to result in nonsense mediated decay, it is expected to create a truncated TTN protein. This variant is not present in population databases (gnomAD no frequency). This variant has not been reported in the literature in individuals affected with TTN-related conditions. ClinVar contains an entry for this variant (Variation ID: 2034693). This variant is located in the A band of TTN (PMID: 25589632). Truncating variants in this region are significantly overrepresented in patients affected with dilated cardiomyopathy (PMID: 25589632). Truncating variants in this region have also been reported in individuals affected with autosomal recessive centronuclear myopathy (PMID: 23975875). In summary, the currently available evidence indicates that the variant is pathogenic, but additional data are needed to prove that conclusively. Therefore, this variant has been classified as Likely Pathogenic.

Literature cited by the submitters: PubMed 25589632; PubMed 23975875.